The following is an entry in ClinVar:

ClinVar aggregate classification (germline): Uncertain significance (1 of 4 stars; one submission).

Submission:

Ambry Genetics
Classification: Uncertain significance. Last evaluated: 2026-02-28. Review status: criteria provided, single submitter. Criteria: Ambry Variant Classification Scheme 2023. Collection method: clinical testing. Allele origin: germline.
Comment: The c.322C>T (p.R108C) alteration is located in exon 4 (coding exon 3) of the HMGB3 gene. This alteration results from a C to T substitution at nucleotide position 322, causing the arginine (R) at amino acid position 108 to be replaced by a cysteine (C). This variant was not reported in population-based cohorts in the Genome Aggregation Database (gnomAD). This alteration is predicted to be deleterious by in silico analysis. Based on insufficient or conflicting evidence, the clinical significance of this alteration remains unclear.

NM_005342.4(HMGB3):c.322C>T (p.Arg108Cys)

Gene: HMGB3 (high mobility group box 3; plus strand). Cytogenetic location: Xq28.
Variant type: single nucleotide variant.
Coding change: c.322C>T on transcript NM_005342.4 (MANE Select); coding-DNA position 322, C replaced by T.
Protein change: p.Arg108Cys; replaces arginine 108 with cysteine.
Molecular consequence: missense variant.
Genome position (GRCh38, 1-based): chrX:150,987,159, C>T. VCF-style: chrX-150987159-C-T. GRCh37 (hg19) VCF-style: chrX-150155632-C-T.
Other names: c.322C>T, p.Arg108Cys (NM_001301228.2, NM_001301229.2, NM_001440774.1); c.382C>T, p.Arg128Cys (NM_001301231.2); c.388C>T, p.Arg130Cys (NM_001440773.1); short protein forms R108C, R130C, R128C.
Identifiers: ClinVar variation 4840725 (VCV004840725.1).
Genomic context (GRCh38, chrX:150,987,159, plus strand): 5'-TCTCATGTAATGTATGTAATTCTTCCAAGGTCTGGATTCTTCCTGTTCTGTTCAGAATTC[C>T]GCCCCAAGATCAAATCCACAAACCCCGGCATCTCTATTGGAGACGTGGCAAAAAAGCTGG-3'
Protein context (NP_005333.2, residues 98-118): SGFFLFCSEF[Arg108Cys]PKIKSTNPGI